The following is an entry in ClinVar:

NM_004006.3(DMD):c.9349_9352dup (p.Ala3118fs)

Gene: DMD (dystrophin; minus strand). Cytogenetic location: Xp21.2.
Variant type: Duplication.
Coding change: c.9349_9352dup on transcript NM_004006.3 (MANE Select); coding-DNA positions 9349 to 9352, 4 bases duplicated (AAGG; older notation c.9349_9352dupAAGG).
Protein change: p.Ala3118fs; shifts the reading frame from alanine 3118.
Molecular consequence: frameshift variant.
Genome position (GRCh38, 1-based): chrX:31,223,056-31,223,059, CCTT duplicated on the plus strand (AAGG on the coding strand, the reverse complement: DMD is on the minus strand); duplicating any 4 consecutive bases within chrX:31,223,056-31,223,060 gives the same sequence; the c. name uses the placement nearest the transcript's 3' end. VCF-style (leftmost placement, unchanged base first): chrX-31223055-G-GCCTT. GRCh37 (hg19) VCF-style: chrX-31241172-G-GCCTT.
Other names: c.9325_9328dup, p.Ala3110fs (NM_000109.4); c.9337_9340dup, p.Ala3114fs (NM_004009.3); c.8980_8983dup, p.Ala2995fs (NM_004010.3); c.5326_5329dup, p.Ala1777fs (NM_004011.4); c.5317_5320dup, p.Ala1774fs (NM_004012.4); c.1969_1972dup, p.Ala658fs (NM_004013.3, NM_004020.4, NM_004021.3 and 2 more transcripts); c.1162_1165dup, p.Ala389fs (NM_004014.3); c.145_148dup, p.Ala50fs (NM_004015.3, NM_004016.3, NM_004017.3 and 2 more transcripts); short protein forms A1777fs, A3114fs, A1774fs, A3110fs, A389fs, A2995fs, A3118fs, A50fs.
Identifiers: ClinVar variation 4732765 (VCV004732765.1).

ClinVar aggregate classification (germline): Pathogenic (1 of 4 stars; one submission).

Conditions:
Duchenne muscular dystrophy (DMD). Also called: MUSCULAR DYSTROPHY, PSEUDOHYPERTROPHIC PROGRESSIVE, DUCHENNE TYPE; Duchenne Muscular Dystrophy (DMD). Identifiers: Orphanet 98896, MedGen C0013264, MONDO:0010679, OMIM 310200.

Submission:

Labcorp Genetics (formerly Invitae), Labcorp
Classification: Pathogenic for Duchenne muscular dystrophy. Last evaluated: 2025-12-14. Review status: criteria provided, single submitter. Criteria: Invitae Variant Classification Sherloc (09022015). Collection method: clinical testing. Allele origin: germline.
Comment: This sequence change creates a premature translational stop signal (p.Ala3118Glufs*15) in the DMD gene. It is expected to result in an absent or disrupted protein product. Loss-of-function variants in DMD are known to be pathogenic (PMID: 16770791, 25007885). This variant is not present in population databases (gnomAD no frequency). This variant has not been reported in the literature in individuals affected with DMD-related conditions. For these reasons, this variant has been classified as Pathogenic.

Literature cited by the submitters: PubMed 16770791; PubMed 25007885.